The following is an entry in ClinVar:

NM_031308.4(EPPK1):c.7104C>T (p.Phe2368=)

Gene: EPPK1 (epiplakin 1; minus strand). Cytogenetic location: 8q24.3.
Variant type: single nucleotide variant.
Coding change: c.7104C>T on transcript NM_031308.4 (MANE Select); coding-DNA position 7104, C replaced by T.
Protein change: p.Phe2368=; no amino-acid change (phenylalanine 2368 retained).
Molecular consequence: synonymous variant.
Genome position (GRCh38, 1-based): chr8:143,866,150, G>A on the plus strand (C>T on the coding strand, the complement: EPPK1 is on the minus strand). VCF-style: chr8-143866150-G-A.
Identifiers: ClinVar variation 3055080 (VCV003055080.1), dbSNP rs1320140952, ClinGen allele CA848824054.
Genomic context (GRCh38, chr8:143,866,150, plus strand): 5'-GTCGAAGAAGCCCTTGGTGTCGTCGCTGGGGTCGGCCAGGACACGGTTCATCTCCTCGTC[G>A]AAGTAGCCGCGCCGGTAGGCCACGTCCACGGGCACGCGGTGGCTGTGCACGGGGTCGATG-3'
Protein context (NP_112598.3, residues 2358-2378): PVDVAYRRGY[Phe2368=]DEEMNRVLAD

ClinVar aggregate classification (germline): Likely benign (1 of 4 stars; one submission).

Conditions:
EPPK1-related disorder. Also called: EPPK1-related condition.

Allele frequency attached by ClinVar (database versions not stated): 1000 Genomes Project 30x 0.00031; gnomAD exomes 0.00071.

Submission:

PreventionGenetics, part of Exact Sciences
Classification: Likely benign for EPPK1-related condition. Last evaluated: 2021-04-30. Review status: criteria provided, single submitter. Criteria: ACMG Guidelines, 2015. Collection method: clinical testing. Allele origin: germline.
Comment: This variant is classified as likely benign based on ACMG/AMP sequence variant interpretation guidelines (Richards et al. 2015 PMID: 25741868, with internal and published modifications).